The following is an entry in ClinVar:

ClinVar aggregate classification (germline): Uncertain significance. Review status: criteria provided, multiple submitters, no conflicts (2 of 4 stars). 3 submissions from 3 submitters: Uncertain significance (3). Last evaluated 2024-06-16.

Conditions:
Developmental and epileptic encephalopathy, 34 (DEE34). Also called: Early infantile epileptic encephalopathy 34; SLC12A5-Related Epilepsy of Infancy with Migrating Focal Seizures. Identifiers: Orphanet 293181, MedGen C4225257, MONDO:0014718, OMIM 616645.

Allele frequency attached by ClinVar (database versions not stated): gnomAD 0.00002; TOPMed 0.00002.
gnomAD v4.1: 22 of 1,614,076 alleles (0.0014%); highest among the groups gnomAD compares: Admixed American, 0.005%; no homozygotes.

Submissions (3):

Ambry Genetics
Classification: Uncertain significance. Last evaluated: 2024-06-16. Review status: criteria provided, single submitter. Criteria: Ambry Variant Classification Scheme 2023. Collection method: clinical testing. Allele origin: germline.

Blueprint Genetics
Classification: Uncertain significance. Last evaluated: 2024-05-06. Review status: criteria provided, single submitter. Criteria: ACMG Guidelines, 2015. Collection method: clinical testing. Allele origin: germline.

Labcorp Genetics (formerly Invitae), Labcorp
Classification: Uncertain significance for Developmental and epileptic encephalopathy, 34. Last evaluated: 2022-10-13. Review status: criteria provided, single submitter. Criteria: Invitae Variant Classification Sherloc (09022015). Collection method: clinical testing. Allele origin: germline.
Comment: This sequence change replaces glutamic acid, which is acidic and polar, with glutamine, which is neutral and polar, at codon 965 of the SLC12A5 protein (p.Glu965Gln). This variant is present in population databases (no rsID available, gnomAD 0.003%). This variant has not been reported in the literature in individuals affected with SLC12A5-related conditions. ClinVar contains an entry for this variant (Variation ID: 658856). Advanced modeling of protein sequence and biophysical properties (such as structural, functional, and spatial information, amino acid conservation, physicochemical variation, residue mobility, and thermodynamic stability) performed at Invitae indicates that this missense variant is not expected to disrupt SLC12A5 protein function. In summary, the available evidence is currently insufficient to determine the role of this variant in disease. Therefore, it has been classified as a Variant of Uncertain Significance.

NM_020708.5(SLC12A5):c.2893G>C (p.Glu965Gln)

Gene: SLC12A5 (solute carrier family 12 member 5; plus strand). Cytogenetic location: 20q13.12.
Variant type: single nucleotide variant.
Coding change: c.2893G>C on transcript NM_020708.5 (MANE Select); coding-DNA position 2893, G replaced by C.
Protein change: p.Glu965Gln; replaces glutamic acid 965 with glutamine.
Molecular consequence: missense variant.
Genome position (GRCh38, 1-based): chr20:46,056,255, G>C. VCF-style: chr20-46056255-G-C. GRCh37 (hg19) VCF-style: chr20-44684894-G-C.
Other names: c.2962G>C, p.Glu988Gln (NM_001134771.2); c.2962G>C (NM_001134771.1); short protein forms E988Q, E965Q.
Identifiers: ClinVar variation 658856 (VCV000658856.6), dbSNP rs776262547, ClinGen allele CA315644465.
Genomic context (GRCh38, chr20:46,056,255, plus strand): 5'-AATCCAGCCAACACGCGGCTCCGCCTGAACGTCCCAGAAGAGACGGCTGGTGACAGTGAA[G>C]AGAAGCCAGAGGAGGAGGTGTGCAGCTTGGGTGGTTTGGCCCCAACCAGTGGGAGCAGAG-3'
Protein context (NP_065759.1, residues 955-975): VPEETAGDSE[Glu965Gln]KPEEEVQLIH